The following is an entry in ClinVar:

ClinVar aggregate classification (germline): Benign (0 of 4 stars; one submission).

Allele frequency attached by ClinVar (database versions not stated): TOPMed 0.00003; gnomAD 0.00007; gnomAD exomes 0.00016 and 0.00034; ExAC 0.00043; 1000 Genomes Project 30x 0.00109; 1000 Genomes Project 0.00140.
gnomAD v4.1: 254 of 1,614,220 alleles (0.016%); highest among the groups gnomAD compares: South Asian, 0.26%; 2 homozygotes.

Submission:

Department of Pathology and Laboratory Medicine, Sinai Health System
Classification: Benign. Review status: no assertion criteria provided. Collection method: clinical testing. Allele origin: unknown. Affected: yes. Study: The Canadian Open Genetics Repository (COGR).
Comment: The KRT13 p.Val254Leu variant was not identified in the literature nor was it identified in ClinVar. The variant was identified in dbSNP (ID: rs565217320) and in control databases in 85 of 251474 chromosomes (1 homozygous) at a frequency of 0.000338 (Genome Aggregation Database March 6, 2019, v2.1.1). The variant was observed in the following populations: South Asian in 82 of 30616 chromosomes (freq: 0.002678) and Other in 3 of 6140 chromosomes (freq: 0.000489), but was not observed in the African, Latino, Ashkenazi Jewish, East Asian, European (Finnish), or European (non-Finnish) populations. The p.Val254 residue is not conserved in mammals and computational analyses (PolyPhen-2, SIFT, AlignGVGD, BLOSUM, MutationTaster) do not suggest a high likelihood of impact to the protein; however, this information is not predictive enough to rule out pathogenicity. The variant occurs outside of the splicing consensus sequence and in silico or computational prediction software programs (SpliceSiteFinder, MaxEntScan, NNSPLICE, GeneSplicer) do not predict a difference in splicing. In summary, based on the above information the clinical significance of this variant cannot be determined with certainty at this time although we would lean towards a more benign role for this variant. This variant is classified as likely benign.

NM_153490.3(KRT13):c.760G>C (p.Val254Leu)

Gene: KRT13 (keratin 13; minus strand). Cytogenetic location: 17q21.2.
Variant type: single nucleotide variant.
Coding change: c.760G>C on transcript NM_153490.3 (MANE Select); coding-DNA position 760, G replaced by C.
Protein change: p.Val254Leu; replaces valine 254 with leucine.
Molecular consequence: missense variant.
Genome position (GRCh38, 1-based): chr17:41,503,074, C>G on the plus strand (G>C on the coding strand, the complement: KRT13 is on the minus strand). VCF-style: chr17-41503074-C-G. GRCh37 (hg19) VCF-style: chr17-39659326-C-G.
Other names: c.760G>C, p.Val254Leu (NM_002274.4); short protein forms V254L.
Identifiers: ClinVar variation 1049311 (VCV001049311.1), dbSNP rs565217320, ClinGen allele CA8560655.